The following is an entry in ClinVar:

ClinVar aggregate classification (germline): Uncertain significance (1 of 4 stars; one submission).

Conditions:
Hereditary cancer-predisposing syndrome. Also called: Neoplastic Syndromes, Hereditary; Hereditary Cancer Syndrome; Tumor predisposition; Hereditary neoplastic syndrome. Identifiers: Orphanet 140162, MedGen C0027672, MeSH D009386, MONDO:0015356.

Submission:

Ambry Genetics
Classification: Uncertain significance for Hereditary cancer-predisposing syndrome. Last evaluated: 2025-01-16. Review status: criteria provided, single submitter. Criteria: Ambry Variant Classification Scheme 2023. Collection method: clinical testing. Allele origin: germline.
Comment: The p.C284Y variant (also known as c.851G>A), located in coding exon 7 of the POLD1 gene, results from a G to A substitution at nucleotide position 851. The cysteine at codon 284 is replaced by tyrosine, an amino acid with highly dissimilar properties. This amino acid position is well conserved in available vertebrate species. In addition, this alteration is predicted to be deleterious by in silico analysis. Based on the available evidence, the clinical significance of this variant remains unclear.

NM_002691.4(POLD1):c.851G>A (p.Cys284Tyr)

Gene: POLD1 (DNA polymerase delta 1, catalytic subunit; plus strand). Cytogenetic location: 19q13.33.
Variant type: single nucleotide variant.
Coding change: c.851G>A on transcript NM_002691.4 (MANE Select); coding-DNA position 851, G replaced by A.
Protein change: p.Cys284Tyr; replaces cysteine 284 with tyrosine.
Molecular consequence: missense variant. On other transcripts: non-coding transcript variant (1).
Genome position (GRCh38, 1-based): chr19:50,402,622, G>A. VCF-style: chr19-50402622-G-A. GRCh37 (hg19) VCF-style: chr19-50905879-G-A.
Other names: c.851G>A, p.Cys284Tyr (NM_001256849.1, NM_001308632.1); short protein forms C284Y.
Identifiers: ClinVar variation 3781381 (VCV003781381.1).